The following is an entry in ClinVar:

NM_030662.4(MAP2K2):c.1106T>C (p.Ile369Thr)

Gene: MAP2K2 (mitogen-activated protein kinase kinase 2; minus strand). Cytogenetic location: 19p13.3.
Variant type: single nucleotide variant.
Coding change: c.1106T>C on transcript NM_030662.4 (MANE Select); coding-DNA position 1106, T replaced by C.
Protein change: p.Ile369Thr; replaces isoleucine 369 with threonine.
Molecular consequence: missense variant.
Genome position (GRCh38, 1-based): chr19:4,090,695, A>G on the plus strand (T>C on the coding strand, the complement: MAP2K2 is on the minus strand). VCF-style: chr19-4090695-A-G. GRCh37 (hg19) VCF-style: chr19-4090693-A-G.
Other names: short protein forms I369T.
Identifiers: ClinVar variation 1334256 (VCV001334256.4), dbSNP rs2145036656, ClinGen allele CA403381182.

ClinVar aggregate classification (germline): Uncertain significance. Review status: criteria provided, multiple submitters, no conflicts (2 of 4 stars). 2 submissions from 2 submitters: Uncertain significance (2). Last evaluated 2023-08-11.

Conditions:
Noonan syndrome and Noonan-related syndrome. Identifiers: Orphanet 98733, MedGen C5681679, MONDO:0020297.

Allele frequency attached by ClinVar (database versions not stated): gnomAD exomes below 0.00001.
gnomAD v4.1: 5 of 1,557,588 alleles (0.00032%); highest among the groups gnomAD compares: Non-Finnish European, 0.00043%; no homozygotes.

Submissions (2):

GeneDx
Classification: Uncertain significance. Last evaluated: 2023-08-11. Review status: criteria provided, single submitter. Criteria: GeneDx Variant Classification Process June 2021. Collection method: clinical testing. Allele origin: germline. Affected: yes.
Comment: Has not been previously published as pathogenic or benign to our knowledge; Not observed at significant frequency in large population cohorts (gnomAD); In silico analysis supports that this missense variant has a deleterious effect on protein structure/function; Missense variants in this gene are often considered pathogenic (HGMD)

Genome Diagnostics Laboratory, The Hospital for Sick Children
Classification: Uncertain significance for Noonan syndrome and Noonan-related syndrome. Last evaluated: 2017-10-02. Review status: criteria provided, single submitter. Criteria: ACMG Guidelines, 2015. Collection method: clinical testing. Allele origin: germline.